The following is an entry in ClinVar:

ClinVar aggregate classification (germline): Uncertain significance. Review status: criteria provided, multiple submitters, no conflicts (2 of 4 stars). 4 submissions from 4 submitters: Uncertain significance (4). Last evaluated 2025-10-10.

Conditions:
Atypical hemolytic-uremic syndrome. Identifiers: Orphanet 2134, MedGen C2931788, MONDO:0016244.
Atypical hemolytic-uremic syndrome with C3 anomaly. Also called: AHUS, SUSCEPTIBILITY TO, 5. Identifiers: Orphanet 2134, MedGen C2752037, MONDO:0013043, OMIM 612925.
Complement component 3 deficiency. Identifiers: Orphanet 280133, MedGen C3151071, MONDO:0013417, OMIM 613779.
Age related macular degeneration 9. Identifiers: MedGen C1969651, MONDO:0012659, OMIM 611378.

Allele frequency attached by ClinVar (database versions not stated): gnomAD exomes below 0.00001 and 0.00003; gnomAD 0.00001; TOPMed 0.00001; ExAC 0.00003.
gnomAD v4.1: 8 of 1,589,724 alleles (0.0005%); highest among the groups gnomAD compares: East Asian, 0.016%; no homozygotes.

Submissions (4):

Labcorp Genetics (formerly Invitae), Labcorp
Classification: Uncertain significance. Last evaluated: 2025-10-10. Review status: criteria provided, single submitter. Criteria: Invitae Variant Classification Sherloc (09022015). Collection method: clinical testing. Allele origin: germline.
Comment: This sequence change replaces leucine, which is neutral and non-polar, with methionine, which is neutral and non-polar, at codon 10 of the C3 protein (p.Leu10Met). This variant is present in population databases (rs756577495, gnomAD 0.04%). This variant has not been reported in the literature in individuals affected with C3-related conditions. ClinVar contains an entry for this variant (Variation ID: 1063298). Experimental studies and prediction algorithms are not available or were not evaluated, and the functional significance of this variant is currently unknown. In summary, the available evidence is currently insufficient to determine the role of this variant in disease. Therefore, it has been classified as a Variant of Uncertain Significance.

Fulgent Genetics
Classification: Uncertain significance for Age related macular degeneration 9; Atypical hemolytic-uremic syndrome with C3 anomaly; Complement component 3 deficiency. Last evaluated: 2024-04-16. Review status: criteria provided, single submitter. Criteria: ACMG Guidelines, 2015. Collection method: clinical testing. Allele origin: germline.

Blueprint Genetics
Classification: Uncertain significance. Last evaluated: 2023-03-20. Review status: criteria provided, single submitter. Criteria: ACMG Guidelines, 2015. Collection method: clinical testing. Allele origin: germline.

Genome Diagnostics Laboratory, The Hospital for Sick Children
Classification: Uncertain significance for Atypical hemolytic-uremic syndrome. Last evaluated: 2020-03-01. Review status: criteria provided, single submitter. Criteria: ACMG Guidelines, 2015. Collection method: clinical testing. Allele origin: germline.

NM_000064.4(C3):c.28C>A (p.Leu10Met)

Gene: C3 (complement C3; minus strand). Cytogenetic location: 19p13.3.
Variant type: single nucleotide variant.
Coding change: c.28C>A on transcript NM_000064.4 (MANE Select); coding-DNA position 28, C replaced by A.
Protein change: p.Leu10Met; replaces leucine 10 with methionine.
Molecular consequence: missense variant.
Genome position (GRCh38, 1-based): chr19:6,720,562, G>T on the plus strand (C>A on the coding strand, the complement: C3 is on the minus strand). VCF-style: chr19-6720562-G-T. GRCh37 (hg19) VCF-style: chr19-6720573-G-T.
Other names: short protein forms L10M.
Identifiers: ClinVar variation 1063298 (VCV001063298.13), dbSNP rs756577495, ClinGen allele CA9129926.